The following is an entry in ClinVar:

NM_032737.4(LMNB2):c.14G>A (p.Ser5Asn)

Genes: LMNB2 (lamin B2; minus strand), LOC130063066 (ATAC-STARR-seq lymphoblastoid silent region 9792; plus strand). Cytogenetic location: 19p13.3.
Variant type: single nucleotide variant.
Coding change: c.14G>A on transcript NM_032737.4 (MANE Select); coding-DNA position 14, G replaced by A.
Protein change: p.Ser5Asn; replaces serine 5 with asparagine.
Molecular consequence: missense variant.
Genome position (GRCh38, 1-based): chr19:2,456,920, C>T on the plus strand (G>A on the coding strand, the complement: LMNB2 is on the minus strand). VCF-style: chr19-2456920-C-T. GRCh37 (hg19) VCF-style: chr19-2456918-C-T.
Other names: short protein forms S5N.
Identifiers: ClinVar variation 2415362 (VCV002415362.7), dbSNP rs933753487, ClinGen allele CA403260229.

ClinVar aggregate classification (germline): Uncertain significance (1 of 4 stars; one submission).

Conditions:
Progressive myoclonic epilepsy type 9. Identifiers: Orphanet 457265, MedGen C4225289, MONDO:0014685, OMIM 616540.
Lipodystrophy, partial, acquired, susceptibility to (APLD). Also called: APLD, SUSCEPTIBILITY TO. Identifiers: MedGen C3887501, MONDO:0100476, OMIM 608709.

Allele frequency attached by ClinVar (database versions not stated): TOPMed 0.00002.
gnomAD v4.1: 8 of 994,628 alleles (0.0008%); highest among the groups gnomAD compares: Non-Finnish European, 0.00095%; no homozygotes.

Submission:

Labcorp Genetics (formerly Invitae), Labcorp
Classification: Uncertain significance for Progressive myoclonic epilepsy type 9; Lipodystrophy, partial, acquired, susceptibility to. Last evaluated: 2023-11-27. Review status: criteria provided, single submitter. Criteria: Invitae Variant Classification Sherloc (09022015). Collection method: clinical testing. Allele origin: germline.
Comment: This sequence change replaces serine, which is neutral and polar, with asparagine, which is neutral and polar, at codon 5 of the LMNB2 protein (p.Ser5Asn). The frequency data for this variant in the population databases is considered unreliable, as metrics indicate insufficient coverage at this position in the gnomAD database. This variant has not been reported in the literature in individuals affected with LMNB2-related conditions. ClinVar contains an entry for this variant (Variation ID: 2415362). Experimental studies and prediction algorithms are not available or were not evaluated, and the functional significance of this variant is currently unknown. In summary, the available evidence is currently insufficient to determine the role of this variant in disease. Therefore, it has been classified as a Variant of Uncertain Significance.